The following is an entry in ClinVar:

NM_000070.3(CAPN3):c.2256_2257del (p.Asn752fs)

Gene: CAPN3 (calpain 3; plus strand). Cytogenetic location: 15q15.1.
Variant type: Deletion.
Coding change: c.2256_2257del on transcript NM_000070.3 (MANE Select); coding-DNA positions 2256 to 2257, 2 bases deleted (CG; older notation c.2256_2257delCG).
Protein change: p.Asn752fs; shifts the reading frame from asparagine 752.
Molecular consequence: frameshift variant.
Genome position (GRCh38, 1-based): chr15:42,410,659-42,410,660, CG deleted. VCF-style (leftmost placement, unchanged base first): chr15-42410658-ACG-A. GRCh37 (hg19) VCF-style: chr15-42702856-ACG-A.
Other names: c.2238_2239del, p.Asn746fs (NM_024344.2); c.1980_1981del, p.Asn660fs (NM_173087.2); c.720_721del, p.Asn240fs (NM_173088.2); c.261_262del, p.Asn87fs (NM_173089.2, NM_173090.2); c.*1354_*1355delCG (NM_212464.2); c.*1931_*1932delCG (NM_212467.2); short protein forms N240fs, N660fs, N746fs, N752fs, N87fs.
Identifiers: ClinVar variation 1726088 (VCV001726088.2), dbSNP rs2548293398, ClinGen allele CA2580089469.

ClinVar aggregate classification (germline): Likely pathogenic (1 of 4 stars; one submission).

Conditions:
Autosomal recessive limb-girdle muscular dystrophy type 2A (LGMDR1). Also called: LEYDEN-MOEBIUS MUSCULAR DYSTROPHY; MUSCULAR DYSTROPHY, PELVOFEMORAL; Limb-girdle muscular dystrophy, type 2A; Calpainopathy; Muscular dystrophy, limb-girdle, type 2A, Amish. Identifiers: Orphanet 267, MedGen C1869123, MONDO:0009675, OMIM 253600. Disease mechanism: loss of function.

Submission:

Myriad Genetics, Inc.
Classification: Likely pathogenic for Autosomal recessive limb-girdle muscular dystrophy type 2A. Last evaluated: 2022-05-18. Review status: criteria provided, single submitter. Criteria: Myriad Women's Health Autosomal Recessive and X-Linked Classification Criteria (2021). Collection method: clinical testing. Allele origin: unknown.
Comment: NM_000070.2(CAPN3):c.2256_2257delCG(N752Kfs*12) is expected to be pathogenic in the context of calpainopathy. This variant is predicted to lead to an abnormal or absent protein product due to the creation of a premature termination codon in CAPN3, a gene where loss-of-function variants are known to be pathogenic. Please note: this variant was assessed in the context of healthy population screening.